The following is an entry in ClinVar:

NM_015662.3(IFT172):c.5160+10G>A

Genes: IFT172 (intraflagellar transport 172; minus strand), KRTCAP3 (keratinocyte associated protein 3; plus strand). Cytogenetic location: 2p23.3.
Variant type: single nucleotide variant.
Coding change: c.5160+10G>A on transcript NM_015662.3 (MANE Select); 10 bases into the intron after coding-DNA position 5160, G replaced by A.
Molecular consequence: intron variant.
Genome position (GRCh38, 1-based): chr2:27,445,004, C>T on the plus strand (G>A on the coding strand, the complement: IFT172 is on the minus strand). VCF-style: chr2-27445004-C-T. GRCh37 (hg19) VCF-style: chr2-27667871-C-T.
Other names: c.*5+943C>T (NM_001168364.2); c.5094+10G>A (NM_001410739.1).
Identifiers: ClinVar variation 3747980 (VCV003747980.4).

ClinVar aggregate classification (germline): Likely benign. Review status: criteria provided, multiple submitters, no conflicts (2 of 4 stars). 3 submissions from 3 submitters: Likely benign (3). Last evaluated 2025-11-24.

Conditions:
Short-rib thoracic dysplasia 10 with or without polydactyly (SRTD10). Identifiers: Orphanet 474, MedGen C3810175, MONDO:0014284, OMIM 615630.
Retinitis pigmentosa 71 (RP71). Identifiers: Orphanet 791, MedGen C4225342, MONDO:0014618, OMIM 616394.
IFT172-related disorder. Also called: IFT172-related disorders; IFT172-related condition.

gnomAD v4.1: 10 of 1,612,660 alleles (0.00062%); highest among the groups gnomAD compares: Non-Finnish European, 0.00085%; no homozygotes.

Submissions (3):

PreventionGenetics, part of Exact Sciences
Classification: Likely benign for IFT172-related condition. Last evaluated: 2025-11-24. Review status: criteria provided, single submitter. Criteria: ACMG Guidelines, 2015. Collection method: clinical testing. Allele origin: germline.
Comment: This variant is classified as likely benign based on ACMG/AMP sequence variant interpretation guidelines (Richards et al. 2015 PMID: 25741868, with internal and published modifications).

Labcorp Genetics (formerly Invitae), Labcorp
Classification: Likely benign for Retinitis pigmentosa 71; Short-rib thoracic dysplasia 10 with or without polydactyly. Last evaluated: 2024-11-24. Review status: criteria provided, single submitter. Criteria: Invitae Variant Classification Sherloc (09022015). Collection method: clinical testing. Allele origin: germline.

Blueprint Genetics
Classification: Likely benign. Last evaluated: 2021-07-06. Review status: criteria provided, single submitter. Criteria: ACMG Guidelines, 2015. Collection method: clinical testing. Allele origin: germline.